The following is an entry in ClinVar:

NM_000182.5(HADHA):c.1519C>G (p.Gln507Glu)

Genes: GAREM2 (GRB2 associated regulator of MAPK1 subtype 2; plus strand), HADHA (hydroxyacyl-CoA dehydrogenase trifunctional multienzyme complex subunit alpha; minus strand). Cytogenetic location: 2p23.3.
Variant type: single nucleotide variant.
Coding change: c.1519C>G on transcript NM_000182.5 (MANE Select); coding-DNA position 1519, C replaced by G.
Protein change: p.Gln507Glu; replaces glutamine 507 with glutamic acid.
Molecular consequence: missense variant.
Genome position (GRCh38, 1-based): chr2:26,195,193, G>C on the plus strand (C>G on the coding strand, the complement: HADHA is on the minus strand). VCF-style: chr2-26195193-G-C. GRCh37 (hg19) VCF-style: chr2-26418062-G-C.
Other names: short protein forms Q507E.
Identifiers: ClinVar variation 4083440 (VCV004083440.1).
Genomic context (GRCh38, chr2:26,195,193, plus strand): 5'-CTACAGCTGAAGCACTGGTGTCTTTGGAAGTTTTCTCGGTCGTGATAATCTCCAGCAGCT[G>C]CATCTTGTCCACGGGAGAGAAGTAGTGCATGCCAATCACCTGGCAAGGGGAACCAAAAGC-3'
Protein context (NP_000173.2, residues 497-517): MHYFSPVDKM[Gln507Glu]LLEIITTEKT

ClinVar aggregate classification (germline): Uncertain significance (1 of 4 stars; one submission).

gnomAD v4.1: 3 of 1,611,508 alleles (0.00019%); highest among the groups gnomAD compares: African/African-American, 0.0013%; no homozygotes.

Submission:

GeneDx
Classification: Uncertain significance. Last evaluated: 2025-03-10. Review status: criteria provided, single submitter. Criteria: GeneDx Variant Classification Process June 2021. Collection method: clinical testing. Allele origin: germline. Affected: yes.
Comment: Not observed at significant frequency in large population cohorts (gnomAD); In silico analysis indicates that this missense variant does not alter protein structure/function; Has not been previously published as pathogenic or benign to our knowledge